The following is an entry in ClinVar:

NM_014714.4(IFT140):c.1648C>T (p.Arg550Ter)

Gene: IFT140 (intraflagellar transport 140; minus strand). Cytogenetic location: 16p13.3.
Variant type: single nucleotide variant.
Coding change: c.1648C>T on transcript NM_014714.4 (MANE Select); coding-DNA position 1648, C replaced by T.
Protein change: p.Arg550Ter; replaces arginine 550 with a stop codon.
Molecular consequence: nonsense.
Genome position (GRCh38, 1-based): chr16:1,571,411, G>A on the plus strand (C>T on the coding strand, the complement: IFT140 is on the minus strand). VCF-style: chr16-1571411-G-A. GRCh37 (hg19) VCF-style: chr16-1621412-G-A.
Other names: p.Arg550*; short protein forms R550*.
Identifiers: ClinVar variation 2634278 (VCV002634278.11), dbSNP rs1253188873, ClinGen allele CA394208895.
Genomic context (GRCh38, chr16:1,571,411, plus strand): 5'-CTGTCTCCTGACTGACTAAAAAAATGTTCACACTTCTATTTGGAAAAAAAATTTACCTTC[G>A]GGAAAGATCAAAGCTTTTAAAGTGAGCCAAGTCTGTCCCTACAACCAGGAAATTCCCACA-3'

ClinVar aggregate classification (germline): Pathogenic. Review status: criteria provided, multiple submitters, no conflicts (2 of 4 stars). 7 submissions from 7 submitters: Pathogenic (7). Last evaluated 2026-09-24.

Conditions:
Retinitis pigmentosa (RP). Identifiers: Orphanet 791, MedGen C0035334, MeSH D012174, MONDO:0019200, OMIM 268000. Inheritance: Autosomal dominant, autosomal recessive and X linked inheritance.
IFT140-related disorder. Also called: IFT140-related condition.
Polycystic kidney disease 9, susceptibility to. Identifiers: MedGen C6012712, MONDO:0976267, OMIM 621164.
Renal cyst. Also called: Cystic kidney disease; cystic kidneys; Renal cysts. Identifiers: MedGen C3887499, MONDO:0002473, HP:0000107.

Allele frequency attached by ClinVar (database versions not stated): TOPMed below 0.00001.
gnomAD v4.1: 16 of 1,609,166 alleles (0.00099%); highest among the groups gnomAD compares: Non-Finnish European, 0.0012%; no homozygotes.

Submissions (7):

GeneDx
Classification: Pathogenic. Last evaluated: 2026-09-24. Review status: criteria provided, single submitter. Criteria: GeneDx Variant Classification Process June 2021. Collection method: clinical testing. Allele origin: germline.
Comment: Has been reported in two unrelated patients with presumed autosomal dominant cystic renal disease (PMID: 34890546); Nonsense variant predicted to result in protein truncation or nonsense mediated decay in a gene for which loss of function is a known mechanism of disease; Not observed at significant frequency in large population cohorts (gnomAD); This variant is associated with the following publications: (PMID: 39136524, 34890546)

PreventionGenetics, part of Exact Sciences
Classification: Pathogenic for IFT140-related condition. Last evaluated: 2026-02-05. Review status: criteria provided, single submitter. Criteria: ACMG Guidelines, 2015. Collection method: clinical testing. Allele origin: germline.
Comment: The IFT140 c.1648C>T variant is predicted to result in premature protein termination (p.Arg550*). This variant has been reported in the heterozygous state in an individual with atypical autosomal dominant polycystic kidney disease (ADPKD) (Senum et al. 2022. PubMed ID: 34890546). This variant has not been reported in a large population database (gnomAD), indicating this variant is rare. Nonsense variants in IFT140 are expected to be pathogenic for autosomal recessive and autosomal dominant IFT140-related disorders. This variant is interpreted as pathogenic.

3billion
Classification: Pathogenic for IFT140-related disorder. Last evaluated: 2025-12-13. Review status: criteria provided, single submitter. Criteria: ACMG Guidelines, 2015. Collection method: clinical testing. Allele origin: germline. Affected: yes.
Comment: The variant is observed at an extremely low frequency in the gnomAD v4.1.0 dataset (total allele frequency: 0.001%). Predicted Consequence/Location: Stop-gained (nonsense): predicted to result in a loss or disruption of normal protein function through nonsense-mediated decay (NMD) or protein truncation. Multiple pathogenic variants are reported downstream of the variant. The variant has been reported at least twice as pathogenic with clinical assertions and evidence for the classification (ClinVar ID: VCV002634278 /PMID: 34890546 /3billion dataset). Therefore, this variant is classified as Pathogenic according to the recommendation of ACMG/AMP guideline.

Variantyx, Inc.
Classification: Pathogenic for Polycystic kidney disease 9, susceptibility to. Last evaluated: 2025-07-06. Review status: criteria provided, single submitter. Criteria: Variantyx Assertion Criteria 2022. Collection method: clinical testing. Allele origin: germline. Inheritance: Autosomal dominant inheritance. Affected: yes.
Comment: This is a nonsense variant in the IFT140 gene (OMIM: 614620). Pathogenic variants in this gene have been associated with autosomal dominant susceptibility to polycystic kidney disease 9. This variant introduces a premature termination codon in exon 14 out of 30 and is expected to result in loss of function, which is a known disease mechanism for IFT140 in this disorder (PMID: 34890546, 37844724, 38404363) (PVS1). This variant has been reported in at least 7 unrelated affected individuals (PMID: 34890546, 39136524) (PS4_Moderate), and it has a 0.0013% maximum allele frequency in non-founder control populations (PM2). Based on the current evidence, this variant is classified as pathogenic for autosomal dominant susceptibility to polycystic kidney disease 9.

Women's Health and Genetics/Laboratory Corporation of America, LabCorp
Classification: Pathogenic for Retinitis pigmentosa. Last evaluated: 2025-04-15. Review status: criteria provided, single submitter. Criteria: LabCorp Variant Classification Summary - May 2015. Collection method: clinical testing. Allele origin: germline.
Comment: Variant summary: IFT140 c.1648C>T (p.Arg550X) results in a premature termination codon, predicted to cause a truncation of the encoded protein or absence of the protein due to nonsense mediated decay, which are commonly known mechanisms for disease. The variant was absent in 245868 control chromosomes. To our knowledge, c.1648C>T has not been observed in individual(s) affected with Retinitis Pigmentosa or Asphyxiating Thoracic Dystrophy. However, it has been reported in individuals with autosomal dominant polycystic kidney disease (e.g. Clark_2024). To our knowledge, no experimental evidence demonstrating an impact on protein function has been reported. The following publication has been ascertained in the context of this evaluation (PMID: 39136524). ClinVar contains an entry for this variant (Variation ID: 2634278). Based on the evidence outlined above, the variant was classified as pathogenic for IFT140-related disorders.

Victorian Clinical Genetics Services, Murdoch Childrens Research Institute
Classification: Pathogenic for Renal cyst. Last evaluated: 2024-09-19. Review status: criteria provided, single submitter. Criteria: ACMG Guidelines, 2015. Collection method: clinical testing. Allele origin: germline. Inheritance: Autosomal dominant inheritance. Affected: yes.
Comment: Based on the classification scheme VCGS_Germline_v1.3.4, this variant is classified as Pathogenic. Following criteria are met: 0102 - Loss of function is a known mechanism of disease in this gene and is associated with retinitis pigmentosa 80 (MIM#617781), short-rib thoracic dysplasia 9 with or without polydactyly (MIM#266920) and cystic kidney disease (MONDO:0002473), IFT140-related (PMID: 34890546). (I) 0108 - This gene is associated with both recessive and dominant disease. Retinitis pigmentosa 80 (MIM#617781) and short-rib thoracic dysplasia 9 with or without polydactyly (MIM#266920) are inherited in an autosomal recessive manner, while cystic kidney disease (MONDO:0002473), IFT140-related is inherited in an autosomal dominant manner (OMIM, PMID: 34890546) . (I) 0112 - The dominant condition associated with this gene may have incomplete penetrance. Parents of children with short-rib thoracic dysplasia 9 with or without polydactyly, who carry a single pathogenic variant that has also previously been associated with the dominant cystic kidney disease phenotype, have been reported as unaffected (PMID: 34890546). However these parents weren't specifically assessed for cystic kidney disease. (I) 0201 - Variant is predicted to cause nonsense-mediated decay (NMD) and loss of protein (premature termination codon is located at least 54 nucleotides upstream of the final exon-exon junction). (SP) 0251 - This variant is heterozygous. (I) 0301 - Variant is absent from gnomAD (both v2 and v3). (SP) 0701 - Other NMD-predicted variants comparable to the one identified in this case have very strong previous evidence for pathogenicity (DECIPHER). These variants have been reported in families with later onset autosomal dominant polycystic kidney disease (PMID: 34890546) and autosomal recessive IFT140-related conditions (PMIDs: 22503633, 26968735). (SP) 0802 - This variant has moderate previous evidence of pathogenicity in unrelated individuals. This variant has been reported as pathogenic in ClinVar and has been observed in two individuals with autosomal dominant cystic kidney disease (PMID: 34890546). (SP) 0905 - No published segregation evidence has been identified for this variant. (I) 1007 - No published functional evidence has been identified for this variant. (I) 1208 - Inheritance information for this variant is not currently available in this individual. (I) Legend: (SP) - Supporting pathogenic, (I) - Information, (SB) - Supporting benign

Mayo Clinic Laboratories, Mayo Clinic
Classification: Pathogenic. Last evaluated: 2023-10-09. Review status: criteria provided, single submitter. Criteria: ACMG Guidelines, 2015. Collection method: clinical testing. Allele origin: germline. Observed: 1 variant allele.
Comment: PM2, PS4_moderate, PVS1

Literature cited by the submitters: PubMed 34890546 (cited by 4 submitters); PubMed 37844724 (cited by Variantyx, Inc.); PubMed 38404363 (cited by Variantyx, Inc.); PubMed 39136524 (cited by Variantyx, Inc. and Women's Health and Genetics/Laboratory Corporation of America, LabCorp); PubMed 22503633 (cited by Victorian Clinical Genetics Services, Murdoch Childrens Research Institute); PubMed 26968735 (cited by Victorian Clinical Genetics Services, Murdoch Childrens Research Institute).